The following is an entry in ClinVar:

NM_004329.3(BMPR1A):c.530+1G>T

Gene: BMPR1A (bone morphogenetic protein receptor type 1A; plus strand). Cytogenetic location: 10q23.2.
Variant type: single nucleotide variant.
Coding change: c.530+1G>T on transcript NM_004329.3 (MANE Select); the canonical splice donor site of the intron after coding-DNA position 530, G replaced by T.
Molecular consequence: splice donor variant. On other transcripts: intron variant (1).
Genome position (GRCh38, 1-based): chr10:86,900,127, G>T. VCF-style: chr10-86900127-G-T. GRCh37 (hg19) VCF-style: chr10-88659884-G-T.
Other names: c.530+1G>T (NM_001406562.1, NM_001406568.1, NM_001406567.1 and 22 more transcripts); c.446+1G>T (NM_001406584.1, NM_001406588.1, NM_001406587.1 and 2 more transcripts); c.333+7898G>T (NM_001406589.1).
Identifiers: ClinVar variation 1997806 (VCV001997806.4), dbSNP rs2539496182, ClinGen allele CA377450805.

ClinVar aggregate classification (germline): Likely pathogenic (1 of 4 stars; one submission).

Conditions:
Juvenile polyposis syndrome (JPS). Identifiers: Orphanet 2929, MedGen C0345893, MONDO:0017380, OMIM 174900.

Submission:

Labcorp Genetics (formerly Invitae), Labcorp
Classification: Likely pathogenic for Juvenile polyposis syndrome. Last evaluated: 2022-05-22. Review status: criteria provided, single submitter. Criteria: Invitae Variant Classification Sherloc (09022015). Collection method: clinical testing. Allele origin: germline.
Comment: This sequence change affects a donor splice site in intron 7 of the BMPR1A gene. It is expected to disrupt RNA splicing. Variants that disrupt the donor or acceptor splice site typically lead to a loss of protein function (PMID: 16199547), and loss-of-function variants in BMPR1A are known to be pathogenic (PMID: 11536076, 12417513). This variant is not present in population databases (gnomAD no frequency). This variant has not been reported in the literature in individuals affected with BMPR1A-related conditions. Algorithms developed to predict the effect of sequence changes on RNA splicing suggest that this variant may disrupt the consensus splice site. In summary, the currently available evidence indicates that the variant is pathogenic, but additional data are needed to prove that conclusively. Therefore, this variant has been classified as Likely Pathogenic.

Literature cited by the submitters: PubMed 16199547; PubMed 11536076; PubMed 12417513.